The following is an entry in ClinVar:

ClinVar aggregate classification (germline): Uncertain significance (1 of 4 stars; one submission).

Conditions:
Cardiovascular phenotype. Identifiers: MedGen CN230736.

gnomAD v4.1: 10 of 1,614,018 alleles (0.00062%); highest among the groups gnomAD compares: Non-Finnish European, 0.00085%; no homozygotes.

Submission:

Ambry Genetics
Classification: Uncertain significance for Cardiovascular phenotype. Last evaluated: 2024-08-19. Review status: criteria provided, single submitter. Criteria: Ambry Variant Classification Scheme 2023. Collection method: clinical testing. Allele origin: germline.
Comment: The p.G1773R variant (also known as c.5317G>C), located in coding exon 27 of the SCN10A gene, results from a G to C substitution at nucleotide position 5317. The glycine at codon 1773 is replaced by arginine, an amino acid with dissimilar properties. This amino acid position is conserved. In addition, the in silico prediction for this alteration is inconclusive. Based on the available evidence, the clinical significance of this variant remains unclear.

NM_006514.4(SCN10A):c.5317G>C (p.Gly1773Arg)

Gene: SCN10A (sodium voltage-gated channel alpha subunit 10; minus strand). Cytogenetic location: 3p22.2.
Variant type: single nucleotide variant.
Coding change: c.5317G>C on transcript NM_006514.4 (MANE Select); coding-DNA position 5317, G replaced by C.
Protein change: p.Gly1773Arg; replaces glycine 1773 with arginine.
Molecular consequence: missense variant.
Genome position (GRCh38, 1-based): chr3:38,697,903, C>G on the plus strand (G>C on the coding strand, the complement: SCN10A is on the minus strand). VCF-style: chr3-38697903-C-G. GRCh37 (hg19) VCF-style: chr3-38739394-C-G.
Other names: c.5314G>C, p.Gly1772Arg (NM_001293306.2); c.5023G>C, p.Gly1675Arg (NM_001293307.2); short protein forms G1675R, G1772R, G1773R.
Identifiers: ClinVar variation 3438103 (VCV003438103.1).
Genomic context (GRCh38, chr3:38,697,903, plus strand): 5'-CCAAAGGCAGGTCCATCTGGATCAGTATATTTCGATTGGGTTTTGGGATTCTCAGGGGAC[C>G]AGAGAGAGTGTCTGCAAAGTCCGAGAGAGCAGAAAAGGTAATAAACTGAGTGGCCTCTGG-3'
Protein context (NP_006505.4, residues 1763-1783): ALSDFADTLS[Gly1773Arg]PLRIPKPNRN